The following is an entry in ClinVar:

NM_052854.4(CREB3L1):c.774del (p.Pro259fs)

Gene: CREB3L1 (cAMP responsive element binding protein 3 like 1; plus strand). Cytogenetic location: 11p11.2.
Variant type: Deletion.
Coding change: c.774del on transcript NM_052854.4 (MANE Select); coding-DNA position 774, one base deleted (G; older notation c.774delG).
Protein change: p.Pro259fs; shifts the reading frame from proline 259.
Molecular consequence: frameshift variant.
Genome position (GRCh38, 1-based): chr11:46,312,345, G deleted; the last of 3 consecutive G bases (chr11:46,312,343-46,312,345); deleting any one gives the same sequence. VCF-style (leftmost placement, unchanged base first): chr11-46312342-AG-A. GRCh37 (hg19) VCF-style: chr11-46333893-AG-A.
Other names: short protein forms P259fs.
Identifiers: ClinVar variation 930601 (VCV000930601.3), dbSNP rs1939498274, ClinGen allele CA1139661924.

ClinVar aggregate classification (germline): Likely pathogenic (1 of 4 stars; one submission).

Conditions:
Osteogenesis imperfecta type 16. Also called: Osteogenesis imperfecta, type xvi; OI, TYPE XVI. Identifiers: Orphanet 666, MedGen C4015610, MONDO:0014544, OMIM 616229.

Submission:

Centre for Mendelian Genomics, University Medical Centre Ljubljana
Classification: Likely pathogenic for Osteogenesis imperfecta type 16. Last evaluated: 2019-11-13. Review status: criteria provided, single submitter. Criteria: ACMG Guidelines, 2015. Collection method: clinical testing. Allele origin: unknown. Affected: yes.
Comment: This variant was classified as: Likely pathogenic. The following ACMG criteria were applied in classifying this variant: PVS1,PM2.